The following is an entry in ClinVar:

ClinVar aggregate classification (germline): Uncertain significance. Review status: criteria provided, multiple submitters, no conflicts (2 of 4 stars). 2 submissions from 2 submitters: Uncertain significance (2). Last evaluated 2022-05-17.

Allele frequency attached by ClinVar (database versions not stated): TOPMed 0.00003; ExAC 0.00010.

Submissions (2):

Labcorp Genetics (formerly Invitae), Labcorp
Classification: Uncertain significance. Last evaluated: 2022-05-17. Review status: criteria provided, single submitter. Criteria: Invitae Variant Classification Sherloc (09022015). Collection method: clinical testing. Allele origin: germline.
Comment: This sequence change replaces arginine, which is basic and polar, with tryptophan, which is neutral and slightly polar, at codon 232 of the HMOX1 protein (p.Arg232Trp). This variant is present in population databases (rs527424080, gnomAD 0.03%). This variant has not been reported in the literature in individuals affected with HMOX1-related conditions. ClinVar contains an entry for this variant (Variation ID: 1009052). Algorithms developed to predict the effect of missense changes on protein structure and function are either unavailable or do not agree on the potential impact of this missense change (SIFT: "Deleterious"; PolyPhen-2: "Benign"; Align-GVGD: "Class C0"). In summary, the available evidence is currently insufficient to determine the role of this variant in disease. Therefore, it has been classified as a Variant of Uncertain Significance.

Mayo Clinic Laboratories, Mayo Clinic
Classification: Uncertain significance. Last evaluated: 2021-11-23. Review status: criteria provided, single submitter. Criteria: ACMG Guidelines, 2015. Collection method: clinical testing. Allele origin: germline.

NM_002133.3(HMOX1):c.694C>T (p.Arg232Trp)

Gene: HMOX1 (heme oxygenase 1; plus strand). Cytogenetic location: 22q12.3.
Variant type: single nucleotide variant.
Coding change: c.694C>T on transcript NM_002133.3 (MANE Select); coding-DNA position 694, C replaced by T.
Protein change: p.Arg232Trp; replaces arginine 232 with tryptophan.
Molecular consequence: missense variant.
Genome position (GRCh38, 1-based): chr22:35,389,921, C>T. VCF-style: chr22-35389921-C-T. GRCh37 (hg19) VCF-style: chr22-35785914-C-T.
Other names: p.Arg232Trp; short protein forms R232W.
Identifiers: ClinVar variation 1009052 (VCV001009052.9), dbSNP rs527424080, ClinGen allele CA10204795.